The following is an entry in ClinVar:

ClinVar aggregate classification (germline): Uncertain significance (1 of 4 stars; one submission).

Conditions:
Progressive myoclonic epilepsy type 7. Identifiers: Orphanet 435438, MedGen C4015420, MONDO:0014521, OMIM 616187.

Submission:

Labcorp Genetics (formerly Invitae), Labcorp
Classification: Uncertain significance for Progressive myoclonic epilepsy type 7. Last evaluated: 2024-02-16. Review status: criteria provided, single submitter. Criteria: Invitae Variant Classification Sherloc (09022015). Collection method: clinical testing. Allele origin: germline.
Comment: This sequence change replaces arginine, which is basic and polar, with lysine, which is basic and polar, at codon 583 of the KCNC1 protein (p.Arg583Lys). This variant is not present in population databases (gnomAD no frequency). This variant has not been reported in the literature in individuals affected with KCNC1-related conditions. Advanced modeling of protein sequence and biophysical properties (such as structural, functional, and spatial information, amino acid conservation, physicochemical variation, residue mobility, and thermodynamic stability) performed at Invitae indicates that this missense variant is not expected to disrupt KCNC1 protein function with a negative predictive value of 95%. In summary, the available evidence is currently insufficient to determine the role of this variant in disease. Therefore, it has been classified as a Variant of Uncertain Significance.

NM_001112741.2(KCNC1):c.1748G>A (p.Arg583Lys)

Gene: KCNC1 (potassium voltage-gated channel subfamily C member 1; plus strand). Cytogenetic location: 11p15.1.
Variant type: single nucleotide variant.
Coding change: c.1748G>A on transcript NM_001112741.2 (MANE Select); coding-DNA position 1748, G replaced by A.
Protein change: p.Arg583Lys; replaces arginine 583 with lysine.
Molecular consequence: missense variant.
Genome position (GRCh38, 1-based): chr11:17,781,724, G>A. VCF-style: chr11-17781724-G-A. GRCh37 (hg19) VCF-style: chr11-17803271-G-A.
Other names: short protein forms R583K.
Identifiers: ClinVar variation 2834286 (VCV002834286.3), dbSNP rs2497823139, ClinGen allele CA379815902.